The following is an entry in ClinVar:

NM_020779.4(WDR35):c.2900T>C (p.Ile967Thr)

Gene: WDR35 (WD repeat domain 35; minus strand). Cytogenetic location: 2p24.1.
Variant type: single nucleotide variant.
Coding change: c.2900T>C on transcript NM_020779.4 (MANE Select); coding-DNA position 2900, T replaced by C.
Protein change: p.Ile967Thr; replaces isoleucine 967 with threonine.
Molecular consequence: missense variant.
Genome position (GRCh38, 1-based): chr2:19,931,333, A>G on the plus strand (T>C on the coding strand, the complement: WDR35 is on the minus strand). VCF-style: chr2-19931333-A-G. GRCh37 (hg19) VCF-style: chr2-20131094-A-G.
Other names: c.2933T>C, p.Ile978Thr (NM_001006657.2); short protein forms I967T, I978T.
Identifiers: ClinVar variation 1417308 (VCV001417308.7), dbSNP rs776936691, ClinGen allele CA1542811.

ClinVar aggregate classification (germline): Uncertain significance. Review status: criteria provided, multiple submitters, no conflicts (2 of 4 stars). 2 submissions from 2 submitters: Uncertain significance (2). Last evaluated 2024-04-28.

Conditions:
Cranioectodermal dysplasia 2 (CED2). Identifiers: Orphanet 1515, MedGen C3150874, MONDO:0013323, OMIM 613610.
Short-rib thoracic dysplasia 7 with or without polydactyly (SRTD7). Also called: Short rib polydactyly syndrome 5; SHORT-RIB THORACIC DYSPLASIA 7 WITH POLYDACTYLY. Identifiers: Orphanet 498497, Orphanet 93271, MedGen C3279792, MONDO:0013569, OMIM 614091.

Allele frequency attached by ClinVar (database versions not stated): TOPMed below 0.00001; ExAC 0.00001; gnomAD 0.00001; gnomAD exomes 0.00001.
gnomAD v4.1: 9 of 1,612,836 alleles (0.00056%); highest among the groups gnomAD compares: East Asian, 0.0022%; no homozygotes.

Submissions (2):

Fulgent Genetics
Classification: Uncertain significance for Cranioectodermal dysplasia 2; Short-rib thoracic dysplasia 7 with or without polydactyly. Last evaluated: 2024-04-28. Review status: criteria provided, single submitter. Criteria: ACMG Guidelines, 2015. Collection method: clinical testing. Allele origin: germline.

Labcorp Genetics (formerly Invitae), Labcorp
Classification: Uncertain significance for Cranioectodermal dysplasia 2; Short-rib thoracic dysplasia 7 with or without polydactyly. Last evaluated: 2021-09-05. Review status: criteria provided, single submitter. Criteria: Invitae Variant Classification Sherloc (09022015). Collection method: clinical testing. Allele origin: germline.
Comment: In summary, the available evidence is currently insufficient to determine the role of this variant in disease. Therefore, it has been classified as a Variant of Uncertain Significance. Algorithms developed to predict the effect of missense changes on protein structure and function (SIFT, PolyPhen-2, Align-GVGD) all suggest that this variant is likely to be tolerated. This variant has not been reported in the literature in individuals affected with WDR35-related conditions. This variant is present in population databases (rs776936691, ExAC 0.01%). This sequence change replaces isoleucine with threonine at codon 978 of the WDR35 protein (p.Ile978Thr). The isoleucine residue is moderately conserved and there is a moderate physicochemical difference between isoleucine and threonine.